The following is an entry in ClinVar:

NM_001375808.2(LPIN2):c.2493C>T (p.Thr831=)

Gene: LPIN2 (lipin 2; minus strand). Cytogenetic location: 18p11.31.
Variant type: single nucleotide variant.
Coding change: c.2493C>T on transcript NM_001375808.2 (MANE Select); coding-DNA position 2493, C replaced by T.
Protein change: p.Thr831=; no amino-acid change (threonine 831 retained).
Molecular consequence: synonymous variant.
Genome position (GRCh38, 1-based): chr18:2,920,831, G>A on the plus strand (C>T on the coding strand, the complement: LPIN2 is on the minus strand). VCF-style: chr18-2920831-G-A. GRCh37 (hg19) VCF-style: chr18-2920829-G-A.
Other names: c.2493C>T, p.Thr831= (NM_001375809.1, NM_014646.2).
Identifiers: ClinVar variation 1102769 (VCV001102769.33), dbSNP rs1167923626, ClinGen allele CA502677387.

ClinVar aggregate classification (germline): Likely benign. Review status: criteria provided, multiple submitters, no conflicts (2 of 4 stars). 2 submissions from 2 submitters: Likely benign (2). Last evaluated 2025-01-01.

Conditions:
Majeed syndrome (MJDS). Also called: CHRONIC RECURRENT MULTIFOCAL OSTEOMYELITIS 1, WITH CONGENITAL DYSERYTHROPOIETIC ANEMIA, WITH OR WITHOUT NEUTROPHILIC DERMATOSIS; LPIN2-Related Majeed Syndrome. Identifiers: Orphanet 77297, MedGen C1864997, MONDO:0012316, OMIM 609628.

Allele frequency attached by ClinVar (database versions not stated): gnomAD exomes below 0.00001; gnomAD 0.00001; TOPMed 0.00002.
gnomAD v4.1: 9 of 1,613,986 alleles (0.00056%); highest among the groups gnomAD compares: East Asian, 0.0045%; no homozygotes.

Submissions (2):

Labcorp Genetics (formerly Invitae), Labcorp
Classification: Likely benign for Majeed syndrome. Last evaluated: 2025-01-01. Review status: criteria provided, single submitter. Criteria: Invitae Variant Classification Sherloc (09022015). Collection method: clinical testing. Allele origin: germline.

CeGaT Center for Human Genetics Tuebingen
Classification: Likely benign. Last evaluated: 2022-06-01. Review status: criteria provided, single submitter. Criteria: CeGaT Center For Human Genetics Tuebingen Variant Classification Criteria Version 2. Collection method: clinical testing. Allele origin: germline. Affected: yes. Observed: 1 variant allele.
Comment: LPIN2: BP4, BP7